The following is an entry in ClinVar:

ClinVar aggregate classification (germline): Conflicting classifications of pathogenicity. Review status: criteria provided, conflicting classifications (1 of 4 stars). 2 submissions from 2 submitters: Uncertain significance (1); Likely benign (1). Last evaluated 2023-03-23.

Conditions:
Hereditary cancer-predisposing syndrome. Also called: Hereditary Cancer Syndrome; Neoplastic Syndromes, Hereditary; Tumor predisposition; Hereditary neoplastic syndrome. Identifiers: Orphanet 140162, MedGen C0027672, MeSH D009386, MONDO:0015356.

Submissions (2):

University of Washington Department of Laboratory Medicine, University of Washington
Classification: Likely benign for Hereditary cancer-predisposing syndrome. Last evaluated: 2023-03-23. Review status: criteria provided, single submitter. Criteria: Dines et al. (Genet Med. 2020). Collection method: curation. Allele origin: germline.
Comment: Missense variant in a coldspot region where missense variants are very unlikely to be pathogenic (PMID:31911673).

BRCA2 exon 11 coldspot. Reclassification based on statistical prior probability.

Ambry Genetics
Classification: Uncertain significance for Hereditary cancer-predisposing syndrome. Last evaluated: 2021-05-11. Review status: criteria provided, single submitter. Criteria: Ambry Variant Classification Scheme 2023. Collection method: clinical testing. Allele origin: germline.
Comment: The p.D1769E variant (also known as c.5307T>A), located in coding exon 10 of the BRCA2 gene, results from a T to A substitution at nucleotide position 5307. The aspartic acid at codon 1769 is replaced by glutamic acid, an amino acid with highly similar properties. This alteration was identified in a large, worldwide study of BRCA1/2 mutation positive families (Rebbeck TR et al. Hum Mutat, 2018 05;39:593-620). This amino acid position is not well conserved in available vertebrate species. In addition, this alteration is predicted to be tolerated by in silico analysis. Since supporting evidence is limited at this time, the clinical significance of this alteration remains unclear.

Literature cited by the submitters: PubMed 29446198 (cited by Ambry Genetics).

NM_000059.4(BRCA2):c.5307T>A (p.Asp1769Glu)

Gene: BRCA2 (BRCA2 DNA repair associated; plus strand). Cytogenetic location: 13q13.1.
Variant type: single nucleotide variant.
Coding change: c.5307T>A on transcript NM_000059.4 (MANE Select); coding-DNA position 5307, T replaced by A.
Protein change: p.Asp1769Glu; replaces aspartic acid 1769 with glutamic acid.
Molecular consequence: missense variant.
Genome position (GRCh38, 1-based): chr13:32,339,662, T>A. VCF-style: chr13-32339662-T-A. GRCh37 (hg19) VCF-style: chr13-32913799-T-A.
Other names: c.5307T>A, p.Asp1769Glu (NM_001406719.1, NM_001406720.1); short protein forms D1769E.
Identifiers: ClinVar variation 1746731 (VCV001746731.4), dbSNP rs767693329, ClinGen allele CA387784849.
Genomic context (GRCh38, chr13:32,339,662, plus strand): 5'-TTCCTACCATTCTGATGAGGTATATAATGATTCAGGATATCTCTCAAAAAATAAACTTGA[T>A]TCTGGTATTGAGCCAGTATTGAAGAATGTTGAAGATCAAAAAAACACTAGTTTTTCCAAA-3'
Protein context (NP_000050.3, residues 1759-1779): DSGYLSKNKL[Asp1769Glu]SGIEPVLKNV